The following is an entry in ClinVar:

ClinVar aggregate classification (germline): Uncertain significance (1 of 4 stars; one submission).

Conditions:
Ataxia-telangiectasia-like disorder (ATLD). Identifiers: MedGen C1858391, MONDO:0011457.

Submission:

Labcorp Genetics (formerly Invitae), Labcorp
Classification: Uncertain significance for Ataxia-telangiectasia-like disorder. Last evaluated: 2017-10-10. Review status: criteria provided, single submitter. Criteria: Invitae Variant Classification Sherloc (09022015). Collection method: clinical testing. Allele origin: germline.
Comment: This variant, c.123_125delTGA, results in the deletion of 1 amino acid of the MRE11 protein (p.Asp41del), but otherwise preserves the integrity of the reading frame. This variant is not present in population databases (ExAC no frequency). This variant has not been reported in the literature in individuals with MRE11-related disease. Experimental studies and prediction algorithms are not available for this variant, and the functional significance of the deleted amino acids is currently unknown. In summary, the available evidence is currently insufficient to determine the role of this variant in disease. Therefore, it has been classified as a Variant of Uncertain Significance.

NM_005591.4(MRE11):c.123_125del (p.Asp41del)

Gene: MRE11 (MRE11 double strand break repair nuclease; minus strand). Cytogenetic location: 11q21.
Variant type: Deletion.
Coding change: c.123_125del on transcript NM_005591.4 (MANE Select); coding-DNA positions 123 to 125, 3 bases deleted (TGA; older notation c.123_125delTGA).
Protein change: p.Asp41del; deletes aspartic acid 41.
Molecular consequence: inframe deletion.
Genome position (GRCh38, 1-based): chr11:94,490,861-94,490,863, TCA deleted on the plus strand (TGA on the coding strand, the reverse complement: MRE11 is on the minus strand); deleting any 3 consecutive bases within chr11:94,490,861-94,490,865 gives the same sequence; the c. name uses the placement nearest the transcript's 3' end. VCF-style (leftmost placement, unchanged base first): chr11-94490860-TTCA-T. GRCh37 (hg19) VCF-style: chr11-94224026-TTCA-T.
Other names: c.123_125delTGA (NM_005591.3); c.123_125del, p.Asp41del (NM_001330347.2, NM_005590.4); short protein forms D41del.
Identifiers: ClinVar variation 534772 (VCV000534772.10), dbSNP rs1555018284, ClinGen allele CA658797716.